The following is an entry in ClinVar:

ClinVar aggregate classification (germline): Uncertain significance (1 of 4 stars; one submission).

Conditions:
Gastrointestinal stromal tumor. Also called: Gastrointestinal stromal tumor, somatic; Gastrointestinal stroma tumor. Identifiers: Orphanet 44890, MedGen C0238198, MeSH D046152, MONDO:0011719, OMIM 606764, HP:0100723.

Submission:

Labcorp Genetics (formerly Invitae), Labcorp
Classification: Uncertain significance for Gastrointestinal stromal tumor. Last evaluated: 2022-06-04. Review status: criteria provided, single submitter. Criteria: Invitae Variant Classification Sherloc (09022015). Collection method: clinical testing. Allele origin: germline.
Comment: This sequence change creates a premature translational stop signal (p.Tyr993*) in the PDGFRA gene. It is expected to result in an absent or disrupted protein product. However, the current clinical and genetic evidence is not sufficient to establish whether loss-of-function variants in PDGFRA cause disease. This variant is not present in population databases (gnomAD no frequency). This variant has not been reported in the literature in individuals affected with PDGFRA-related conditions. ClinVar contains an entry for this variant (Variation ID: 840980). In summary, the available evidence is currently insufficient to determine the role of this variant in disease. Therefore, it has been classified as a Variant of Uncertain Significance.

NM_006206.6(PDGFRA):c.2979del (p.Thr992_Tyr993insTer)

Gene: PDGFRA (platelet derived growth factor receptor alpha; plus strand). Cytogenetic location: 4q12.
Variant type: Deletion.
Coding change: c.2979del on transcript NM_006206.6 (MANE Select); coding-DNA position 2979, one base deleted (C; older notation c.2979delC).
Protein change: p.Thr992_Tyr993insTer.
Molecular consequence: nonsense.
Genome position (GRCh38, 1-based): chr4:54,290,411, C deleted. VCF-style (leftmost placement, unchanged base first): chr4-54290410-AC-A. GRCh37 (hg19) VCF-style: chr4-55156577-AC-A.
Other names: c.3054del, p.Thr1017_Tyr1018insTer (NM_001347828.2); c.2979del, p.Thr992_Tyr993insTer (NM_001347829.2); c.3018del, p.Thr1005_Tyr1006insTer (NM_001347830.2).
Identifiers: ClinVar variation 840980 (VCV000840980.8), dbSNP rs1724568531, ClinGen allele CA916081452.
Genomic context (GRCh38, chr4:54,290,410, plus strand): 5'-ACCATCCTGCTGTGGCACGCATGCGTGTGGACTCAGACAATGCATACATTGGTGTCACCT[AC>A]AAAAACGAGGAAGACAAGCTGAAGGACTGGGAGGGTGGTCTGGATGAGCAGAGACTGAGC-3'